The following is an entry in ClinVar:

NM_201384.3(PLEC):c.2992G>A (p.Ala998Thr)

Gene: PLEC (plectin; minus strand). Cytogenetic location: 8q24.3.
Variant type: single nucleotide variant.
Coding change: c.2992G>A on transcript NM_201384.3 (MANE Select); coding-DNA position 2992, G replaced by A.
Protein change: p.Ala998Thr; replaces alanine 998 with threonine.
Molecular consequence: missense variant.
Genome position (GRCh38, 1-based): chr8:143,929,503, C>T on the plus strand (G>A on the coding strand, the complement: PLEC is on the minus strand). VCF-style: chr8-143929503-C-T. GRCh37 (hg19) VCF-style: chr8-145003671-C-T.
Other names: c.3073G>A, p.Ala1025Thr (NM_000445.5); c.2950G>A, p.Ala984Thr (NM_201378.4); c.2926G>A, p.Ala976Thr (NM_201379.3); c.3403G>A, p.Ala1135Thr (NM_201380.4); c.2896G>A, p.Ala966Thr (NM_201381.3); c.2992G>A, p.Ala998Thr (NM_201382.4); c.3004G>A, p.Ala1002Thr (NM_201383.3); short protein forms A976T, A1135T, A966T, A1002T, A984T, A998T, A1025T.
Identifiers: ClinVar variation 1482884 (VCV001482884.6), dbSNP rs559552232, ClinGen allele CA4927268.

ClinVar aggregate classification (germline): Uncertain significance (1 of 4 stars; one submission).

Conditions:
Autosomal recessive limb-girdle muscular dystrophy type 2Q (LGMDR17). Also called: MUSCULAR DYSTROPHY, LIMB-GIRDLE, AUTOSOMAL RECESSIVE 17. Identifiers: Orphanet 254361, MedGen C3150989, MONDO:0013390, OMIM 613723.
Epidermolysis bullosa simplex 5B, with muscular dystrophy (EBS5B). Also called: EPIDERMOLYSIS BULLOSA SIMPLEX AND LIMB-GIRDLE MUSCULAR DYSTROPHY; Epidermolysis bullosa simplex with muscular dystrophy. Identifiers: Orphanet 257, MedGen C2931072, MONDO:0009181, OMIM 226670.
Epidermolysis bullosa simplex, Ogna type (EBS5A). Also called: Pidermolysis bullosa simplex 5A, Ogna type; EPIDERMOLYSIS BULLOSA SIMPLEX 5A, OGNA TYPE. Identifiers: Orphanet 79401, MedGen C0432317, MONDO:0007555, OMIM 131950.
Epidermolysis bullosa simplex with nail dystrophy (EBS5D). Identifiers: MedGen C4225309, MONDO:0014661, OMIM 616487.
Epidermolysis bullosa simplex 5C, with pyloric atresia (EBS5C). Also called: Epidermolysis bullosa simplex with pyloric atresia; PLEC1-Related Epidermolysis Bullosa with Pyloric Atresia; PLEC-Related Epidermolysis Bullosa with Pyloric Atresia. Identifiers: Orphanet 158684, MedGen C2677349, MONDO:0012807, OMIM 612138.

Allele frequency attached by ClinVar (database versions not stated): gnomAD 0.00001; gnomAD exomes 0.00001; ExAC 0.00007; 1000 Genomes Project 0.00020; 1000 Genomes Project 30x 0.00031.
gnomAD v4.1: 21 of 1,611,944 alleles (0.0013%); highest among the groups gnomAD compares: South Asian, 0.023%; no homozygotes.

Submission:

Labcorp Genetics (formerly Invitae), Labcorp
Classification: Uncertain significance for Autosomal recessive limb-girdle muscular dystrophy type 2Q; Epidermolysis bullosa simplex, Ogna type; Epidermolysis bullosa simplex with nail dystrophy; Epidermolysis bullosa simplex 5C, with pyloric atresia; Epidermolysis bullosa simplex 5B, with muscular dystrophy. Last evaluated: 2022-06-27. Review status: criteria provided, single submitter. Criteria: Invitae Variant Classification Sherloc (09022015). Collection method: clinical testing. Allele origin: germline.
Comment: In summary, the available evidence is currently insufficient to determine the role of this variant in disease. Therefore, it has been classified as a Variant of Uncertain Significance. Algorithms developed to predict the effect of missense changes on protein structure and function are either unavailable or do not agree on the potential impact of this missense change (SIFT: "Deleterious"; PolyPhen-2: "Not Available"; Align-GVGD: "Class C0"). This variant has not been reported in the literature in individuals affected with PLEC-related conditions. This variant is present in population databases (rs559552232, gnomAD 0.03%). This sequence change replaces alanine, which is neutral and non-polar, with threonine, which is neutral and polar, at codon 1025 of the PLEC protein (p.Ala1025Thr).